The following is an entry in ClinVar:

ClinVar aggregate classification (germline): Conflicting classifications of pathogenicity. Review status: criteria provided, conflicting classifications (1 of 4 stars). 2 submissions from 2 submitters: Pathogenic (1); Uncertain significance (1). Last evaluated 2026-04-13.

Conditions:
Hereditary cancer-predisposing syndrome. Also called: Tumor predisposition; Neoplastic Syndromes, Hereditary; Hereditary neoplastic syndrome; Hereditary Cancer Syndrome. Identifiers: Orphanet 140162, MedGen C0027672, MeSH D009386, MONDO:0015356.

Allele frequency attached by ClinVar (database versions not stated): ESP Exome Variant Server 0.00008; TOPMed below 0.00001.
gnomAD v4.1: 1 of 1,613,888 alleles (0.000062%); highest among the groups gnomAD compares: Non-Finnish European, 0.000085%; no homozygotes.

Submissions (2):

Ambry Genetics
Classification: Uncertain significance for Hereditary cancer-predisposing syndrome. Last evaluated: 2026-04-13. Review status: criteria provided, single submitter. Criteria: Ambry Variant Classification Scheme 2023. Collection method: clinical testing. Allele origin: germline.
Comment: The p.W826* variant (also known as c.2478G>A), located in coding exon 22 of the POLE gene, results from a G to A substitution at nucleotide position 2478. This changes the amino acid from a tryptophan to a stop codon within coding exon 22. This alteration is expected to result in loss of function by premature protein truncation or nonsense-mediated mRNA decay. Although biallelic loss of function of POLE has been associated with autosomal recessive POLE deficiency, haploinsufficiency of POLE has not been established as a mechanism of disease for POLE-related polymerase proofreading-associated polyposis (PPAP) and POLE-related CMMRD-like syndrome. Based on the supporting evidence, this variant is expected to be causative of POLE deficiency when present along with a second pathogenic variant on the other allele; however, its clinical significance for PPAP and POLE-related CMMRD-like syndrome is unclear.

Labcorp Genetics (formerly Invitae), Labcorp
Classification: Pathogenic. Last evaluated: 2022-05-12. Review status: criteria provided, single submitter. Criteria: Invitae Variant Classification Sherloc (09022015). Collection method: clinical testing. Allele origin: germline.
Comment: This sequence change creates a premature translational stop signal (p.Trp826*) in the POLE gene. It is expected to result in an absent or disrupted protein product. Loss-of-function variants in POLE are known to be pathogenic (PMID: 23230001, 25948378, 30503519). This variant is not present in population databases (gnomAD no frequency). This variant has not been reported in the literature in individuals affected with POLE-related conditions. ClinVar contains an entry for this variant (Variation ID: 821339). For these reasons, this variant has been classified as Pathogenic.

Literature cited by the submitters: PubMed 23230001 (cited by Labcorp Genetics (formerly Invitae), Labcorp); PubMed 25948378 (cited by Labcorp Genetics (formerly Invitae), Labcorp); PubMed 30503519 (cited by Labcorp Genetics (formerly Invitae), Labcorp).

NM_006231.4(POLE):c.2478G>A (p.Trp826Ter)

Gene: POLE (DNA polymerase epsilon, catalytic subunit; minus strand). Cytogenetic location: 12q24.33.
Variant type: single nucleotide variant.
Coding change: c.2478G>A on transcript NM_006231.4 (MANE Select); coding-DNA position 2478, G replaced by A.
Protein change: p.Trp826Ter; replaces tryptophan 826 with a stop codon.
Molecular consequence: nonsense.
Genome position (GRCh38, 1-based): chr12:132,664,453, C>T on the plus strand (G>A on the coding strand, the complement: POLE is on the minus strand). VCF-style: chr12-132664453-C-T. GRCh37 (hg19) VCF-style: chr12-133241039-C-T.
Other names: short protein forms W826*.
Identifiers: ClinVar variation 821339 (VCV000821339.7), dbSNP rs375426113, ClinGen allele CA246318852.
Genomic context (GRCh38, chr12:132,664,453, plus strand): 5'-TGCCTGGGTGATGATGTTGGCCCCTGTGAAGCAGACGATGCCAGCCATCTCCATGGAGTA[C>T]CAGCGAGCCCTGAGAGGACACCACAAACTGGTGGGTGGGGCTGGCATGGCTCCTCCAGGG-3'